The following is an entry in ClinVar:

NM_002528.7(NTHL1):c.460del (p.Asp154fs)

Gene: NTHL1 (nth like DNA glycosylase 1; minus strand). Cytogenetic location: 16p13.3.
Variant type: Deletion.
Coding change: c.460del on transcript NM_002528.7 (MANE Select); coding-DNA position 460, one base deleted (G; older notation c.460delG).
Protein change: p.Asp154fs; shifts the reading frame from aspartic acid 154.
Molecular consequence: frameshift variant. On other transcripts: intron variant (1).
Genome position (GRCh38, 1-based): chr16:2,044,695, C deleted on the plus strand (G on the coding strand, the reverse complement: NTHL1 is on the minus strand); the first of 2 consecutive C bases (chr16:2,044,695-2,044,696); deleting either gives the same sequence. VCF-style (leftmost placement, unchanged base first): chr16-2044694-TC-T. GRCh37 (hg19) VCF-style: chr16-2094695-TC-T.
Other names: c.130del, p.Asp44fs (NM_001318194.2); c.355-969del (NM_001318193.2); c.484del (NM_002528.6); short protein forms D154fs, D44fs.
Identifiers: ClinVar variation 651377 (VCV000651377.12), dbSNP rs1596220332, ClinGen allele CA915946193.
Genomic context (GRCh38, chr16:2,044,694, plus strand): 5'-CAGAAACCGACGGGGTAGATGAGCTTGCCCAGCGTGGCATCATCTGTCTGCAGGATGCTG[TC>T]CACCGTCAGGCCCCGCGCCCGCAGTCGCTGCATGGCGCCCGCCGTCACCTGGTCTTTGGT-3'

ClinVar aggregate classification (germline): Pathogenic. Review status: criteria provided, multiple submitters, no conflicts (2 of 4 stars). 3 submissions from 3 submitters: Pathogenic (3). Last evaluated 2024-09-03.

Conditions:
Familial adenomatous polyposis 3. Also called: NTHL1-Related Adenomatous Polyposis and Colorectal Cancer; NTHL1-associated polyposis; NTHL1-related attenuated familial adenomatous polyposis; NTHL1 Tumor Syndrome. Identifiers: Orphanet 220460, Orphanet 454840, MedGen C4225157, MONDO:0014630, OMIM 616415.
Hereditary cancer-predisposing syndrome. Also called: Tumor predisposition; Neoplastic Syndromes, Hereditary; Hereditary Cancer Syndrome; Hereditary neoplastic syndrome. Identifiers: Orphanet 140162, MedGen C0027672, MeSH D009386, MONDO:0015356.

Submissions (3):

Labcorp Genetics (formerly Invitae), Labcorp
Classification: Pathogenic. Last evaluated: 2024-09-03. Review status: criteria provided, single submitter. Criteria: Invitae Variant Classification Sherloc (09022015). Collection method: clinical testing. Allele origin: germline.
Comment: This sequence change creates a premature translational stop signal (p.Asp162Thrfs*25) in the NTHL1 gene. It is expected to result in an absent or disrupted protein product. Loss-of-function variants in NTHL1 are known to be pathogenic (PMID: 25938944, 26559593). This variant is not present in population databases (gnomAD no frequency). This variant has not been reported in the literature in individuals affected with NTHL1-related conditions. ClinVar contains an entry for this variant (Variation ID: 651377). For these reasons, this variant has been classified as Pathogenic.

Myriad Genetics, Inc.
Classification: Pathogenic for Familial adenomatous polyposis 3. Last evaluated: 2023-09-05. Review status: criteria provided, single submitter. Criteria: Myriad Autosomal Dominant, Autosomal Recessive and X-Linked Classification Criteria (2023). Collection method: clinical testing. Allele origin: unknown.
Comment: This variant is considered pathogenic. This variant creates a frameshift predicted to result in premature protein truncation.

Ambry Genetics
Classification: Pathogenic for Hereditary cancer-predisposing syndrome. Last evaluated: 2021-03-25. Review status: criteria provided, single submitter. Criteria: Ambry Variant Classification Scheme 2023. Collection method: clinical testing. Allele origin: germline.
Comment: The c.484delG pathogenic mutation, located in coding exon 3 of the NTHL1 gene, results from a deletion of one nucleotide at nucleotide position 484, causing a translational frameshift with a predicted alternate stop codon (p.D162Tfs*25). This alteration is expected to result in loss of function by premature protein truncation or nonsense-mediated mRNA decay. As such, this alteration is interpreted as a disease-causing mutation.

Literature cited by the submitters: PubMed 25938944 (cited by Labcorp Genetics (formerly Invitae), Labcorp); PubMed 26559593 (cited by Labcorp Genetics (formerly Invitae), Labcorp).